The following is an entry in ClinVar:

ClinVar aggregate classification (germline): Uncertain significance. Review status: criteria provided, multiple submitters, no conflicts (2 of 4 stars). 2 submissions from 2 submitters: Uncertain significance (2). Last evaluated 2025-10-02.

Conditions:
LAMA2-related muscular dystrophy (LAMA2-RD). Also called: Laminin alpha 2-related dystrophy. Identifiers: MedGen C5679788, MONDO:0100228.
Inborn genetic diseases. Identifiers: MedGen C0950123, MeSH D030342.

Allele frequency attached by ClinVar (database versions not stated): gnomAD exomes below 0.00001 and 0.00001; TOPMed below 0.00001.

Submissions (2):

Ambry Genetics
Classification: Uncertain significance for Inborn genetic diseases. Last evaluated: 2025-10-02. Review status: criteria provided, single submitter. Criteria: Ambry Variant Classification Scheme 2023. Collection method: clinical testing. Allele origin: germline.

Labcorp Genetics (formerly Invitae), Labcorp
Classification: Uncertain significance for LAMA2-related muscular dystrophy. Last evaluated: 2021-06-17. Review status: criteria provided, single submitter. Criteria: Invitae Variant Classification Sherloc (09022015). Collection method: clinical testing. Allele origin: germline.
Comment: In summary, the available evidence is currently insufficient to determine the role of this variant in disease. Therefore, it has been classified as a Variant of Uncertain Significance. Algorithms developed to predict the effect of missense changes on protein structure and function (SIFT, PolyPhen-2, Align-GVGD) all suggest that this variant is likely to be tolerated, but these predictions have not been confirmed by published functional studies and their clinical significance is uncertain. This variant has not been reported in the literature in individuals with LAMA2-related conditions. This variant is not present in population databases (ExAC no frequency). This sequence change replaces lysine with asparagine at codon 1756 of the LAMA2 protein (p.Lys1756Asn). The lysine residue is moderately conserved and there is a moderate physicochemical difference between lysine and asparagine.

NM_000426.4(LAMA2):c.5268G>T (p.Lys1756Asn)

Gene: LAMA2 (laminin subunit alpha 2; plus strand). Cytogenetic location: 6q22.33.
Variant type: single nucleotide variant.
Coding change: c.5268G>T on transcript NM_000426.4 (MANE Select); coding-DNA position 5268, G replaced by T.
Protein change: p.Lys1756Asn; replaces lysine 1756 with asparagine.
Molecular consequence: missense variant.
Genome position (GRCh38, 1-based): chr6:129,393,078, G>T. VCF-style: chr6-129393078-G-T. GRCh37 (hg19) VCF-style: chr6-129714223-G-T.
Other names: c.5268G>T (NM_000426.3); c.5268G>T, p.Lys1756Asn (NM_001079823.2); short protein forms K1756N.
Identifiers: ClinVar variation 1389885 (VCV001389885.7), dbSNP rs986818411, ClinGen allele CA146885748.